The following is an entry in ClinVar:

ClinVar aggregate classification (germline): Uncertain significance (1 of 4 stars; one submission).

Submission:

Labcorp Genetics (formerly Invitae), Labcorp
Classification: Uncertain significance. Last evaluated: 2025-04-08. Review status: criteria provided, single submitter. Criteria: Invitae Variant Classification Sherloc (09022015). Collection method: clinical testing. Allele origin: germline.
Comment: This sequence change replaces arginine, which is basic and polar, with histidine, which is basic and polar, at codon 616 of the CAPN1 protein (p.Arg616His). This variant is present in population databases (rs545449346, gnomAD 0.02%). This variant has not been reported in the literature in individuals affected with CAPN1-related conditions. Invitae Evidence Modeling of protein sequence and biophysical properties (such as structural, functional, and spatial information, amino acid conservation, physicochemical variation, residue mobility, and thermodynamic stability) indicates that this missense variant is not expected to disrupt CAPN1 protein function with a negative predictive value of 80%. In summary, the available evidence is currently insufficient to determine the role of this variant in disease. Therefore, it has been classified as a Variant of Uncertain Significance.

NM_005186.4(CAPN1):c.1847G>A (p.Arg616His)

Genes: CAPN1 (calpain 1; plus strand), LOC126861236 (P300/CBP strongly-dependent group 1 enhancer GRCh37_chr11:64976880-64978079; plus strand). Cytogenetic location: 11q13.1.
Variant type: single nucleotide variant.
Coding change: c.1847G>A on transcript NM_005186.4 (MANE Select); coding-DNA position 1847, G replaced by A.
Protein change: p.Arg616His; replaces arginine 616 with histidine.
Molecular consequence: missense variant. On other transcripts: non-coding transcript variant (1).
Genome position (GRCh38, 1-based): chr11:65,209,901, G>A. VCF-style: chr11-65209901-G-A. GRCh37 (hg19) VCF-style: chr11-64977372-G-A.
Other names: c.1847G>A, p.Arg616His (NM_001198868.2, NM_001198869.2); short protein forms R616H.
Identifiers: ClinVar variation 4695584 (VCV004695584.1).
Genomic context (GRCh38, chr11:65,209,901, plus strand): 5'-CCACCCAGCGTGATGGCAATGGGAAGCTGGGCCTGGTGGAGTTCAACATCCTGTGGAACC[G>A]CATCCGGAATTACCTGGTAGGTTGTCCCCACTCACCTCAGTCATGCAGGTGCGGGCCGGG-3'
Protein context (NP_005177.2, residues 606-626): GLVEFNILWN[Arg616His]IRNYLSIFRK